The following is an entry in ClinVar:

NM_020821.3(VPS13C):c.6973C>T (p.Gln2325Ter)

Gene: VPS13C (vacuolar protein sorting 13 homolog C; minus strand). Cytogenetic location: 15q22.2.
Variant type: single nucleotide variant.
Coding change: c.6973C>T on transcript NM_020821.3 (MANE Select); coding-DNA position 6973, C replaced by T.
Protein change: p.Gln2325Ter; replaces glutamine 2325 with a stop codon.
Molecular consequence: nonsense.
Genome position (GRCh38, 1-based): chr15:61,922,399, G>A on the plus strand (C>T on the coding strand, the complement: VPS13C is on the minus strand). VCF-style: chr15-61922399-G-A. GRCh37 (hg19) VCF-style: chr15-62214598-G-A.
Other names: c.6973C>T, p.Gln2325Ter (NM_001018088.3); c.6844C>T, p.Gln2282Ter (NM_017684.5, NM_018080.4); short protein forms Q2282*, Q2325*.
Identifiers: ClinVar variation 2413815 (VCV002413815.5), dbSNP rs916946765, ClinGen allele CA271894959.

ClinVar aggregate classification (germline): Pathogenic (1 of 4 stars; one submission).

gnomAD v4.1: 5 of 1,611,814 alleles (0.00031%); highest among the groups gnomAD compares: Non-Finnish European, 0.00042%; no homozygotes.

Submission:

Labcorp Genetics (formerly Invitae), Labcorp
Classification: Pathogenic. Last evaluated: 2024-04-22. Review status: criteria provided, single submitter. Criteria: Invitae Variant Classification Sherloc (09022015). Collection method: clinical testing. Allele origin: germline.
Comment: This sequence change creates a premature translational stop signal (p.Gln2325*) in the VPS13C gene. It is expected to result in an absent or disrupted protein product. Loss-of-function variants in VPS13C are known to be pathogenic (PMID: 26942284, 34875562). This variant is present in population databases (no rsID available, gnomAD 0.0009%). This variant has not been reported in the literature in individuals affected with VPS13C-related conditions. ClinVar contains an entry for this variant (Variation ID: 2413815). Algorithms developed to predict the effect of sequence changes on RNA splicing suggest that this variant may disrupt the consensus splice site. For these reasons, this variant has been classified as Pathogenic.

Literature cited by the submitters: PubMed 26942284; PubMed 34875562.